The following is an entry in ClinVar:

NM_000088.4(COL1A1):c.3262-2A>C

Gene: COL1A1 (collagen type I alpha 1 chain; minus strand). Cytogenetic location: 17q21.33.
Variant type: single nucleotide variant.
Coding change: c.3262-2A>C on transcript NM_000088.4 (MANE Select); the canonical splice acceptor site of the intron before coding-DNA position 3262, A replaced by C.
Molecular consequence: splice acceptor variant.
Genome position (GRCh38, 1-based): chr17:50,187,985, T>G on the plus strand (A>C on the coding strand, the complement: COL1A1 is on the minus strand). VCF-style: chr17-50187985-T-G. GRCh37 (hg19) VCF-style: chr17-48265346-T-G.
Identifiers: ClinVar variation 4718135 (VCV004718135.1).
Genomic context (GRCh38, chr17:50,187,985, plus strand): 5'-ATGCCTCTGTCGCCCTGTTCGCCTGTCTCACCCTTGTCACCACGGGGGCCTTGGGGTCCC[T>G]AGAAGAGAGAAAGGGACAAACTGTCAGGCGGAAGTTCCATTGGCATCGAGTGGGGCACTG-3'

ClinVar aggregate classification (germline): Pathogenic (1 of 4 stars; one submission).

Conditions:
Osteogenesis imperfecta type I (OI1). Also called: Lobstein disease; Classic Non-deforming Osteogenesis Imperfecta with Blue Sclerae; OI, TYPE I; OSTEOGENESIS IMPERFECTA TARDA; OSTEOGENESIS IMPERFECTA WITH BLUE SCLERAE; Osteogenesis imperfecta type 1. Identifiers: Orphanet 216796, Orphanet 666, MedGen C0023931, MONDO:0008146, OMIM 166200. Disease mechanism: loss of function.

Submission:

Labcorp Genetics (formerly Invitae), Labcorp
Classification: Pathogenic for Osteogenesis imperfecta type I. Last evaluated: 2025-04-22. Review status: criteria provided, single submitter. Criteria: Invitae Variant Classification Sherloc (09022015). Collection method: clinical testing. Allele origin: germline.
Comment: This sequence change affects an acceptor splice site in intron 44 of the COL1A1 gene. It is expected to disrupt RNA splicing. Variants that disrupt the donor or acceptor splice site typically lead to a loss of protein function (PMID: 16199547), and loss-of-function variants in COL1A1 are known to be pathogenic (PMID: 7942841, 9295084, 9443882). This variant is not present in population databases (gnomAD no frequency). Disruption of this splice site has been observed in individual(s) with osteogenesis imperfecta (PMID: 31363794). Algorithms developed to predict the effect of sequence changes on RNA splicing suggest that this variant may disrupt the consensus splice site. For these reasons, this variant has been classified as Pathogenic.

Literature cited by the submitters: PubMed 16199547; PubMed 7942841; PubMed 9295084; PubMed 9443882; PubMed 31363794.